The following is an entry in ClinVar:

ClinVar aggregate classification (germline): Pathogenic (1 of 4 stars; one submission).

Conditions:
Lynch syndrome 5 (LYNCH5). Also called: Colorectal cancer, hereditary nonpolyposis, type 5; Hereditary non-polyposis colorectal cancer, type 5. Identifiers: Orphanet 144, MedGen C1833477, MONDO:0013710, OMIM 614350. Disease mechanism: loss of function.

Submission:

Myriad Genetics, Inc.
Classification: Pathogenic for Lynch syndrome 5. Last evaluated: 2023-08-25. Review status: criteria provided, single submitter. Criteria: Myriad Autosomal Dominant, Autosomal Recessive and X-Linked Classification Criteria (2023). Collection method: clinical testing. Allele origin: unknown.
Comment: This variant is considered pathogenic. This variant creates a termination codon and is predicted to result in premature protein truncation.

NM_000179.3(MSH6):c.3731T>A (p.Leu1244Ter)

Gene: MSH6 (mutS homolog 6; plus strand). Cytogenetic location: 2p16.3.
Variant type: single nucleotide variant.
Coding change: c.3731T>A on transcript NM_000179.3 (MANE Select); coding-DNA position 3731, T replaced by A.
Protein change: p.Leu1244Ter; replaces leucine 1244 with a stop codon.
Molecular consequence: nonsense. On other transcripts: non-coding transcript variant (5).
Genome position (GRCh38, 1-based): chr2:47,806,288, T>A. VCF-style: chr2-47806288-T-A. GRCh37 (hg19) VCF-style: chr2-48033427-T-A.
Other names: c.3341T>A, p.Leu1114Ter (NM_001281492.2); c.2825T>A, p.Leu942Ter (NM_001281493.2, NM_001281494.2, NM_001406811.1 and 6 more transcripts); c.3827T>A, p.Leu1276Ter (NM_001406795.1, NM_001406802.1); c.3731T>A, p.Leu1244Ter (NM_001406796.1, NM_001406800.1, NM_001406808.1 and 1 more transcripts); c.3434T>A, p.Leu1145Ter (NM_001406797.1, NM_001406801.1, NM_001406805.1 and 10 more transcripts); c.3557T>A, p.Leu1186Ter (NM_001406798.1); c.3206T>A, p.Leu1069Ter (NM_001406799.1, NM_001406806.1, NM_001406807.1); c.2867T>A, p.Leu956Ter (NM_001406803.1); and 7 more; short protein forms L1069*, L1114*, L1145*, L1186*, L1188*, L1218*, L1244*, L1246*.
Identifiers: ClinVar variation 2673707 (VCV002673707.1), dbSNP rs1558392241, ClinGen allele CA346761035.